The following is an entry in ClinVar:

NM_001903.5(CTNNA1):c.202G>A (p.Ala68Thr)

Gene: CTNNA1 (catenin alpha 1; plus strand). Cytogenetic location: 5q31.2.
Variant type: single nucleotide variant.
Coding change: c.202G>A on transcript NM_001903.5 (MANE Select); coding-DNA position 202, G replaced by A.
Protein change: p.Ala68Thr; replaces alanine 68 with threonine.
Molecular consequence: missense variant. On other transcripts: splice donor variant (1), intron variant (1).
Genome position (GRCh38, 1-based): chr5:138,783,273, G>A. VCF-style: chr5-138783273-G-A. GRCh37 (hg19) VCF-style: chr5-138118962-G-A.
Other names: c.202G>A, p.Ala68Thr (NM_001290307.3, NM_001323982.2, NM_001323983.1 and 3 more transcripts); c.-6+1G>A (NM_001290310.3); c.-9+1244G>A (NM_001290309.3); short protein forms A68T.
Identifiers: ClinVar variation 657946 (VCV000657946.15), dbSNP rs766078636, ClinGen allele CA3431378.

ClinVar aggregate classification (germline): Uncertain significance. Review status: criteria provided, multiple submitters, no conflicts (2 of 4 stars). 4 submissions from 4 submitters: Uncertain significance (4). Last evaluated 2025-11-05.

Conditions:
Patterned macular dystrophy 2. Identifiers: Orphanet 99001, MedGen C1837029, MONDO:0012162, OMIM 608970.
Hereditary cancer-predisposing syndrome. Also called: Hereditary neoplastic syndrome; Neoplastic Syndromes, Hereditary; Hereditary Cancer Syndrome; Tumor predisposition. Identifiers: Orphanet 140162, MedGen C0027672, MeSH D009386, MONDO:0015356.

Allele frequency attached by ClinVar (database versions not stated): gnomAD 0.00001; gnomAD exomes 0.00001; TOPMed 0.00001; ExAC 0.00002.
gnomAD v4.1: 4 of 1,614,006 alleles (0.00025%); highest among the groups gnomAD compares: East Asian, 0.0022%; no homozygotes.

Submissions (4):

Labcorp Genetics (formerly Invitae), Labcorp
Classification: Uncertain significance. Last evaluated: 2025-11-05. Review status: criteria provided, single submitter. Criteria: Invitae Variant Classification Sherloc (09022015). Collection method: clinical testing. Allele origin: germline.
Comment: This sequence change replaces alanine, which is neutral and non-polar, with threonine, which is neutral and polar, at codon 68 of the CTNNA1 protein (p.Ala68Thr). This variant is present in population databases (rs766078636, gnomAD 0.006%). This variant has not been reported in the literature in individuals affected with CTNNA1-related conditions. ClinVar contains an entry for this variant (Variation ID: 657946). Invitae Evidence Modeling of protein sequence and biophysical properties (such as structural, functional, and spatial information, amino acid conservation, physicochemical variation, residue mobility, and thermodynamic stability) indicates that this missense variant is not expected to disrupt CTNNA1 protein function with a negative predictive value of 80%. In summary, the available evidence is currently insufficient to determine the role of this variant in disease. Therefore, it has been classified as a Variant of Uncertain Significance.

Ambry Genetics
Classification: Uncertain significance for Hereditary cancer-predisposing syndrome. Last evaluated: 2025-09-10. Review status: criteria provided, single submitter. Criteria: Ambry Variant Classification Scheme 2023. Collection method: clinical testing. Allele origin: germline.
Comment: The p.A68T variant (also known as c.202G>A), located in coding exon 2 of the CTNNA1 gene, results from a G to A substitution at nucleotide position 202. The alanine at codon 68 is replaced by threonine, an amino acid with similar properties. This amino acid position is highly conserved in available vertebrate species. In addition, this alteration is predicted to be deleterious by in silico analysis. Based on the available evidence, the clinical significance of this variant remains unclear.

Baylor Genetics
Classification: Uncertain significance for Patterned macular dystrophy 2. Last evaluated: 2023-08-29. Review status: criteria provided, single submitter. Criteria: ACMG Guidelines, 2015. Collection method: clinical testing. Allele origin: unknown.

GeneDx
Classification: Uncertain significance. Last evaluated: 2023-07-09. Review status: criteria provided, single submitter. Criteria: GeneDx Variant Classification Process June 2021. Collection method: clinical testing. Allele origin: germline. Affected: yes.
Comment: In silico analysis supports that this missense variant has a deleterious effect on protein structure/function; Has not been previously published as pathogenic or benign to our knowledge; This variant is associated with the following publications: (PMID: 32051609)